The following is an entry in ClinVar:

ClinVar aggregate classification (germline): Pathogenic (1 of 4 stars; one submission).

Submission:

Labcorp Genetics (formerly Invitae), Labcorp
Classification: Pathogenic. Last evaluated: 2024-02-10. Review status: criteria provided, single submitter. Criteria: Invitae Variant Classification Sherloc (09022015). Collection method: clinical testing. Allele origin: germline.
Comment: This sequence change creates a premature translational stop signal (p.Gly969Alafs*13) in the ABCA12 gene. It is expected to result in an absent or disrupted protein product. Loss-of-function variants in ABCA12 are known to be pathogenic (PMID: 20672373). This variant is not present in population databases (gnomAD no frequency). This variant has not been reported in the literature in individuals affected with ABCA12-related conditions. For these reasons, this variant has been classified as Pathogenic.

Literature cited by the submitters: PubMed 20672373.

NM_173076.3(ABCA12):c.2906del (p.Gly969fs)

Gene: ABCA12 (ATP binding cassette subfamily A member 12; minus strand). Cytogenetic location: 2q35.
Variant type: Deletion.
Coding change: c.2906del on transcript NM_173076.3 (MANE Select); coding-DNA position 2906, one base deleted (G; older notation c.2906delG).
Protein change: p.Gly969fs; shifts the reading frame from glycine 969.
Molecular consequence: frameshift variant. On other transcripts: non-coding transcript variant (1).
Genome position (GRCh38, 1-based): chr2:215,000,978, C deleted on the plus strand (G on the coding strand, the reverse complement: ABCA12 is on the minus strand); the first of 2 consecutive C bases (chr2:215,000,978-215,000,979); deleting either gives the same sequence. VCF-style (leftmost placement, unchanged base first): chr2-215000977-GC-G. GRCh37 (hg19) VCF-style: chr2-215865701-GC-G.
Other names: c.1952del, p.Gly651fs (NM_015657.4); short protein forms G969fs, G651fs.
Identifiers: ClinVar variation 3640017 (VCV003640017.2).